The following is an entry in ClinVar:

ClinVar aggregate classification (germline): Uncertain significance (1 of 4 stars; one submission).

Submission:

Labcorp Genetics (formerly Invitae), Labcorp
Classification: Uncertain significance. Last evaluated: 2022-10-13. Review status: criteria provided, single submitter. Criteria: Invitae Variant Classification Sherloc (09022015). Collection method: clinical testing. Allele origin: germline.
Comment: This variant has not been reported in the literature in individuals affected with DHX37-related conditions. This variant is not present in population databases (gnomAD no frequency). This sequence change replaces threonine, which is neutral and polar, with alanine, which is neutral and non-polar, at codon 1090 of the DHX37 protein (p.Thr1090Ala). Algorithms developed to predict the effect of missense changes on protein structure and function (SIFT, PolyPhen-2, Align-GVGD) all suggest that this variant is likely to be tolerated. In summary, the available evidence is currently insufficient to determine the role of this variant in disease. Therefore, it has been classified as a Variant of Uncertain Significance.

NM_032656.4(DHX37):c.3268A>G (p.Thr1090Ala)

Gene: DHX37 (DEAH-box helicase 37; minus strand). Cytogenetic location: 12q24.31.
Variant type: single nucleotide variant.
Coding change: c.3268A>G on transcript NM_032656.4 (MANE Select); coding-DNA position 3268, A replaced by G.
Protein change: p.Thr1090Ala; replaces threonine 1090 with alanine.
Molecular consequence: missense variant.
Genome position (GRCh38, 1-based): chr12:124,950,008, T>C on the plus strand (A>G on the coding strand, the complement: DHX37 is on the minus strand). VCF-style: chr12-124950008-T-C. GRCh37 (hg19) VCF-style: chr12-125434554-T-C.
Other names: short protein forms T1090A.
Identifiers: ClinVar variation 1910687 (VCV001910687.5), dbSNP rs2547106280, ClinGen allele CA387216714.
Genomic context (GRCh38, chr12:124,950,008, plus strand): 5'-CCTCCTGCCCACTGCGAGGCTCCCACCGAAGGCAGTACCTGGCCCACGTCTTCAGCATGG[T>C]GCCGGGGCTGGACAGCAGACAGCTCCGGTATGAGGCCAGCTTGCGGAAGACCTGATGAGA-3'
Protein context (NP_116045.2, residues 1080-1100): YRSCLLSSPG[Thr1090Ala]MLKTWARLQP